The following is an entry in ClinVar:

ClinVar aggregate classification (germline): Uncertain significance. Review status: criteria provided, multiple submitters, no conflicts (2 of 4 stars). 3 submissions from 3 submitters: Uncertain significance (3). Last evaluated 2023-12-12.

Conditions:
Cardiovascular phenotype. Identifiers: MedGen CN230736.
Cardiomyopathy (CMYO). Also called: Cardiomyopathies. Identifiers: Orphanet 167848, MedGen C0878544, MONDO:0004994, HP:0001638. Inheritance: Various modes of inheritance.
Catecholaminergic polymorphic ventricular tachycardia 1. Also called: VENTRICULAR TACHYCARDIA, CATECHOLAMINERGIC POLYMORPHIC, 1, WITH OR WITHOUT ATRIAL DYSFUNCTION AND/OR DILATED CARDIOMYOPATHY; RYR2-Related Catecholaminergic Polymorphic Ventricular Tachycardia; VENTRICULAR TACHYCARDIA, STRESS-INDUCED POLYMORPHIC 1. Identifiers: Orphanet 3286, MedGen C1631597, MONDO:0011484, OMIM 604772.

Allele frequency attached by ClinVar (database versions not stated): gnomAD exomes 0.00001.
gnomAD v4.1: 8 of 1,614,014 alleles (0.0005%); highest among the groups gnomAD compares: East Asian, 0.0022%; no homozygotes.

Submissions (3):

Labcorp Genetics (formerly Invitae), Labcorp
Classification: Uncertain significance for Catecholaminergic polymorphic ventricular tachycardia 1. Last evaluated: 2023-12-12. Review status: criteria provided, single submitter. Criteria: Invitae Variant Classification Sherloc (09022015). Collection method: clinical testing. Allele origin: germline.
Comment: This sequence change replaces serine, which is neutral and polar, with phenylalanine, which is neutral and non-polar, at codon 1764 of the RYR2 protein (p.Ser1764Phe). This variant is not present in population databases (gnomAD no frequency). This variant has not been reported in the literature in individuals affected with RYR2-related conditions. ClinVar contains an entry for this variant (Variation ID: 921897). Advanced modeling of protein sequence and biophysical properties (such as structural, functional, and spatial information, amino acid conservation, physicochemical variation, residue mobility, and thermodynamic stability) performed at Invitae indicates that this missense variant is not expected to disrupt RYR2 protein function with a negative predictive value of 95%. In summary, the available evidence is currently insufficient to determine the role of this variant in disease. Therefore, it has been classified as a Variant of Uncertain Significance.

Color Diagnostics, LLC DBA Color Health
Classification: Uncertain significance for Cardiomyopathy. Last evaluated: 2023-12-05. Review status: criteria provided, single submitter. Criteria: ACMG Guidelines, 2015. Collection method: clinical testing. Allele origin: germline.
Comment: Variant of Uncertain Significance due to insufficient evidence: This missense variant is located in the cytoplasmic domain of the RYR2 protein. Computational prediction tools and conservation analyses suggest that this variant may have deleterious impact on the protein function. Computational splicing tools suggest that this variant may not impact RNA splicing. To our knowledge, functional assays have not been performed for this variant nor has this variant been reported in individuals affected with cardiovascular disorders in the literature. This variant is rare in the general population and has been identified in 0/277264 chromosomes by the Genome Aggregation Database (gnomAD). Available evidence is insufficient to determine the pathogenicity of this variant conclusively.

Ambry Genetics
Classification: Uncertain significance for Cardiovascular phenotype. Last evaluated: 2022-01-04. Review status: criteria provided, single submitter. Criteria: Ambry Variant Classification Scheme 2023. Collection method: clinical testing. Allele origin: germline.
Comment: The p.S1764F variant (also known as c.5291C>T), located in coding exon 37 of the RYR2 gene, results from a C to T substitution at nucleotide position 5291. The serine at codon 1764 is replaced by phenylalanine, an amino acid with highly dissimilar properties. This amino acid position is well conserved in available vertebrate species. In addition, the in silico prediction for this alteration is inconclusive. Since supporting evidence is limited at this time, the clinical significance of this alteration remains unclear.

NM_001035.3(RYR2):c.5291C>T (p.Ser1764Phe)

Gene: RYR2 (ryanodine receptor 2; plus strand). Cytogenetic location: 1q43.
Variant type: single nucleotide variant.
Coding change: c.5291C>T on transcript NM_001035.3 (MANE Select); coding-DNA position 5291, C replaced by T.
Protein change: p.Ser1764Phe; replaces serine 1764 with phenylalanine.
Molecular consequence: missense variant.
Genome position (GRCh38, 1-based): chr1:237,614,419, C>T. VCF-style: chr1-237614419-C-T. GRCh37 (hg19) VCF-style: chr1-237777719-C-T.
Other names: c.5291C>T (NM_001035.2); short protein forms S1764F.
Identifiers: ClinVar variation 921897 (VCV000921897.10), dbSNP rs1678236675, ClinGen allele CA345404710.